The following is an entry in ClinVar:

NM_002742.3(PRKD1):c.2068-11C>A

Gene: PRKD1 (protein kinase D1; minus strand). Cytogenetic location: 14q12.
Variant type: single nucleotide variant.
Coding change: c.2068-11C>A on transcript NM_002742.3 (MANE Select); 11 bases into the intron before coding-DNA position 2068, C replaced by A.
Molecular consequence: intron variant.
Genome position (GRCh38, 1-based): chr14:29,599,136, G>T on the plus strand (C>A on the coding strand, the complement: PRKD1 is on the minus strand). VCF-style: chr14-29599136-G-T. GRCh37 (hg19) VCF-style: chr14-30068342-G-T.
Other names: c.2092-11C>A (NM_001330069.2); c.1804-11C>A (NM_001348390.1).
Identifiers: ClinVar variation 1032082 (VCV001032082.1), dbSNP rs1893419059, ClinGen allele CA2126388750.
Genomic context (GRCh38, chr14:29,599,136, plus strand): 5'-TCACAGTGAACGATATTTTTAAAATGAAGGTGCCGCAAAGCCACGAGTATCTGTAAAGAA[G>T]AATCACCAAAATTTCATTCCAGTTTATTAATTTCAAAATGTCTTCTACCAGTTAAAAGGC-3'

ClinVar aggregate classification (germline): Uncertain significance (1 of 4 stars; one submission).

Conditions:
Congenital heart defects and ectodermal dysplasia (CHDED). Identifiers: MedGen C4479250, MONDO:0044303, OMIM 617364.

Submission:

Baylor Genetics
Classification: Uncertain significance for Congenital heart defects and ectodermal dysplasia. Last evaluated: 2018-02-26. Review status: criteria provided, single submitter. Criteria: ACMG Guidelines, 2015. Collection method: clinical testing. Allele origin: unknown. Affected: yes.
Comment: This variant was determined to be of uncertain significance according to ACMG Guidelines, 2015 [PMID:25741868].